The following continues an entry in ClinVar:

NM_020975.6(RET):c.1531G>A (p.Glu511Lys)

Gene: RET. ClinVar aggregate classification (germline): Conflicting classifications of pathogenicity. Uncertain significance (9); Benign (1); Likely benign (6).

Submissions 12 to 19 of 19:

Sema4
Classification: Uncertain significance for Hereditary cancer-predisposing syndrome. Last evaluated: 2021-08-19. Review status: criteria provided, single submitter. Criteria: Sema4 Curation Guidelines. Collection method: curation. Allele origin: germline.
Comment: The RET c.1531G>A (p.E511K) variant has been reported in individuals with medullary thyroid cancer (PMID: 28946813, 21551259, 20103606), spindle cell tumors in the sinonasal region (PMID: 315509350), kidney renal papillary cell carcinoma (PMID: 29684080) and breast cancer (PMID: 30446652). This variant was observed in 36/117032 chromosomes in the Non-Finnish European subpopulation, with no homozygotes, in the large and broad cohorts of the Genome Aggregation Database (PMID: 32461654). The variant has been reported in ClinVar (Variation ID 24883). Functional studies have shown that this variant alters the function of the protein (PMID: 21551259, 20103606) but in silico predictions of the variant's effect on protein function are inconclusive. The evidence is insufficient to meet ACMG/AMP criteria for classifying the variant as benign or pathogenic. Thus, the clinical significance of this variant is currently uncertain.

Women's Health and Genetics/Laboratory Corporation of America, LabCorp
Classification: Likely benign. Last evaluated: 2020-06-16. Review status: criteria provided, single submitter. Criteria: LabCorp Variant Classification Summary - May 2015. Collection method: clinical testing. Allele origin: germline.
Comment: Variant summary: RET c.1531G>A (p.Glu511Lys) results in a conservative amino acid change located in the extracellular domain of the encoded protein sequence. Three of five in-silico tools predict a benign effect of the variant on protein function. The variant allele was found at a frequency of 0.00018 in 226932 control chromosomes. The observed variant frequency is approximately 4.8 fold of the estimated maximal expected allele frequency for a pathogenic variant in RET causing Multiple Endocrine Neoplasia Type 2 phenotype (3.7e-05), strongly suggesting that the variant is benign. c.1531G>A has been reported in the literature in affected and unaffected individuals from a family with apparently sporadic MTC (AS-MTC) (Prazeres_2006 and 2011). Due to non-conclusive co-segregation, these reports do not provide unequivocal conclusions about association of the variant with Multiple Endocrine Neoplasia Type 2. At least two publications report in-vitro experimental evidence evaluating an impact on protein function. Both demonstrated increased RET and ERK phosphorylation levels and transforming activity at intermediate levels between wild-type and the well known p.Cys634Arg positive control (Muzza_2010, Prazeres_2011). However, these findings do not allow convincing conclusions about the variant effect in-vivo. Six clinical diagnostic laboratories have submitted clinical-significance assessments for this variant to ClinVar after 2014 without evidence for independent evaluation (likely benign, n=1; VUS, n=5). Based on the evidence outlined above, the variant was classified as likely benign for Multiple Endocrine Neoplasia Type 2.

Genetics and Molecular Pathology, SA Pathology
Classification: Uncertain significance for Multiple endocrine neoplasia type 2A. Last evaluated: 2020-04-23. Review status: criteria provided, single submitter. Criteria: ACMG Guidelines, 2015. Collection method: clinical testing. Allele origin: germline. Affected: yes.
Comment: PM2, PS3, BS4

Ambry Genetics
Classification: Likely benign for Hereditary cancer-predisposing syndrome. Last evaluated: 2019-01-17. Review status: criteria provided, single submitter. Criteria: Ambry Variant Classification Scheme 2023. Collection method: clinical testing. Allele origin: germline.

Laboratory for Molecular Medicine, Mass General Brigham Personalized Medicine
Classification: Uncertain significance. Last evaluated: 2017-01-24. Review status: criteria provided, single submitter. Criteria: LMM Criteria. Collection method: clinical testing. Allele origin: germline.
Comment: Variant identified in a genome or exome case(s) and assessed due to predicted null impact of the variant or pathogenic assertions in the literature or databases. Disclaimer: This variant has not undergone full assessment. The following are preliminary notes: This variant is present in HGMD in 6 papers with comments suggesting VUS and benign. It was seen in a proband with medullary thyroid carcinoma but was found in unaffected relatives. It is present in ExAC with a Max MAF of 0.03% (35/114960 European chrs). It is classified in ClinVar with 1 star as VUS by Invitae, CSER_CC_NCGL, and ARUP. 14 non-mammals have a Lys at this position.

Counsyl
Classification: Uncertain significance for Multiple endocrine neoplasia type 2B. Last evaluated: 2015-11-21. Review status: no assertion criteria provided. Collection method: clinical testing. Allele origin: unknown. Not counted in ClinVar's aggregate classification.

Counsyl
Classification: Uncertain significance for Multiple endocrine neoplasia type 2A. Last evaluated: 2015-11-21. Review status: no assertion criteria provided. Collection method: clinical testing. Allele origin: unknown. Not counted in ClinVar's aggregate classification.

CSER _CC_NCGL, University of Washington
Classification: Uncertain significance for Thyroid carcinoma, medullary. Last evaluated: 2014-06-01. Review status: no assertion criteria provided. Collection method: research. Allele origin: germline. Inheritance: Autosomal dominant inheritance. Study: ESP 6500 variant annotation. Not counted in ClinVar's aggregate classification.
Comment: Variants classified for the Actionable exomic incidental findings in 6503 participants: challenges of variant classification manuscript

Literature cited by the submitters: PubMed 28946813 (cited by Sema4); PubMed 21551259 (cited by 4 submitters); PubMed 20103606 (cited by 4 submitters); PubMed 29684080 (cited by Sema4); PubMed 30446652 (cited by Sema4); PubMed 16712668 (cited by Women's Health and Genetics/Laboratory Corporation of America, LabCorp); PubMed 21479187 (cited by Ambry Genetics and Counsyl); PubMed 24055113 (cited by Ambry Genetics); PubMed 25637381 (cited by Ambry Genetics and Counsyl); PubMed 26332594 (cited by Counsyl); PubMed 24336963 (cited by Counsyl).